The following is an entry in ClinVar:

NM_003000.3(SDHB):c.657G>A (p.Met219Ile)

Gene: SDHB (succinate dehydrogenase complex iron sulfur subunit B; minus strand). Cytogenetic location: 1p36.13.
Variant type: single nucleotide variant.
Coding change: c.657G>A on transcript NM_003000.3 (MANE Select); coding-DNA position 657, G replaced by A.
Protein change: p.Met219Ile; replaces methionine 219 with isoleucine.
Molecular consequence: missense variant.
Genome position (GRCh38, 1-based): chr1:17,022,716, C>T on the plus strand (G>A on the coding strand, the complement: SDHB is on the minus strand). VCF-style: chr1-17022716-C-T. GRCh37 (hg19) VCF-style: chr1-17349211-C-T.
Other names: c.603G>A, p.Met201Ile (NM_001407361.1); short protein forms M201I, M219I.
Identifiers: ClinVar variation 3316902 (VCV003316902.2).

ClinVar aggregate classification (germline): Uncertain significance (1 of 4 stars; one submission).

Conditions:
Hereditary cancer-predisposing syndrome. Also called: Neoplastic Syndromes, Hereditary; Tumor predisposition; Hereditary Cancer Syndrome; Hereditary neoplastic syndrome. Identifiers: Orphanet 140162, MedGen C0027672, MeSH D009386, MONDO:0015356.

gnomAD v4.1: 1 of 1,613,788 alleles (0.000062%); highest among the groups gnomAD compares: Non-Finnish European, 0.000085%; no homozygotes.

Submission:

Ambry Genetics
Classification: Uncertain significance for Hereditary cancer-predisposing syndrome. Last evaluated: 2026-04-29. Review status: criteria provided, single submitter. Criteria: Ambry Variant Classification Scheme 2023. Collection method: clinical testing. Allele origin: germline.
Comment: The p.M219I variant (also known as c.657G>A), located in coding exon 7 of the SDHB gene, results from a G to A substitution at nucleotide position 657. The methionine at codon 219 is replaced by isoleucine, an amino acid with highly similar properties. This amino acid position is conserved. In addition, this alteration is predicted to be deleterious by in silico analysis. Based on the available evidence, the clinical significance of this variant remains unclear.